The following is an entry in ClinVar:

NM_022455.5(NSD1):c.4946C>G (p.Ala1649Gly)

Gene: NSD1 (nuclear receptor binding SET domain protein 1; plus strand). Cytogenetic location: 5q35.3.
Variant type: single nucleotide variant.
Coding change: c.4946C>G on transcript NM_022455.5 (MANE Select); coding-DNA position 4946, C replaced by G.
Protein change: p.Ala1649Gly; replaces alanine 1649 with glycine.
Molecular consequence: missense variant.
Genome position (GRCh38, 1-based): chr5:177,257,131, C>G. VCF-style: chr5-177257131-C-G. GRCh37 (hg19) VCF-style: chr5-176684132-C-G.
Other names: c.4184C>G, p.Ala1395Gly (NM_001409307.1, NM_001409306.1); c.4073C>G, p.Ala1358Gly (NM_001409308.1, NM_001409309.1, NM_172349.5 and 1 more transcripts); c.4946C>G, p.Ala1649Gly (NM_001409301.1, NM_001409302.1, NM_001409303.1); c.4526C>G, p.Ala1509Gly (NM_001409304.1); c.4193C>G, p.Ala1398Gly (NM_001409305.1); short protein forms A1358G, A1380G, A1395G, A1398G, A1509G, A1649G.
Identifiers: ClinVar variation 1805698 (VCV001805698.2), dbSNP rs2149912729, ClinGen allele CA362356410.

ClinVar aggregate classification (germline): Uncertain significance (1 of 4 stars; one submission).

Conditions:
Sotos syndrome (SOTOS). Also called: CEREBRAL GIGANTISM; SOTOS SYNDROME 1; Sotos' syndrome; Distinctive facial appearance, overgrowth in childhood, and learning disabilities or delayed development; CHROMOSOME 5q35 DELETION SYNDROME. Identifiers: Orphanet 821, MedGen C0175695, MONDO:0019349, OMIM 117550.

Submission:

Victorian Clinical Genetics Services, Murdoch Childrens Research Institute
Classification: Uncertain significance for Sotos syndrome. Last evaluated: 2019-08-28. Review status: criteria provided, single submitter. Criteria: ACMG Guidelines, 2015. Collection method: clinical testing. Allele origin: germline. Inheritance: Autosomal dominant inheritance.
Comment: A heterozygous missense variant was identified, NM_022455.4(NSD1):c.4946C>G in exon 13 of 23 of the NSD1 gene. This substitution is predicted to create a minor amino acid change from alanine to glycine at position 1649 of the protein NP_071900.2(NSD1):p.(Ala1649Gly). The alanine at this position has low conservation (100 vertebrates, UCSC), and is located within the PHD3_NSD1 functional domain. In silico software predictions of the pathogenicity of this variant are conflicting (Polyphen, SIFT, CADD, Mutation Taster). The variant is not present in the gnomAD population database. This variant has not been previously reported in clinical cases. Based on information available at the time of curation, this variant has been classified as a VARIANT of UNCERTAIN SIGNIFICANCE (VUS) with LOW CLINICAL RELEVANCE.